The following is an entry in ClinVar:

ClinVar aggregate classification (germline): Pathogenic (1 of 4 stars; one submission).

Conditions:
Cardiovascular phenotype. Identifiers: MedGen CN230736.

Submission:

Ambry Genetics
Classification: Pathogenic for Cardiovascular phenotype. Last evaluated: 2018-11-01. Review status: criteria provided, single submitter. Criteria: Ambry Variant Classification Scheme 2023. Collection method: clinical testing. Allele origin: germline.
Comment: The c.726delG pathogenic mutation, located in coding exon 5 of the ACVRL1 gene, results from a deletion of one nucleotide at nucleotide position 726, causing a translational frameshift with a predicted alternate stop codon (p.T243Lfs*15). This alteration is expected to result in loss of function by premature protein truncation or nonsense-mediated mRNA decay. As such, this alteration is interpreted as a disease-causing mutation.

NM_000020.3(ACVRL1):c.726del (p.Thr243fs)

Gene: ACVRL1 (activin A receptor like type 1; plus strand). Cytogenetic location: 12q13.13.
Variant type: Deletion.
Coding change: c.726del on transcript NM_000020.3 (MANE Select); coding-DNA position 726, one base deleted (G; older notation c.726delG).
Protein change: p.Thr243fs; shifts the reading frame from threonine 243.
Molecular consequence: frameshift variant.
Genome position (GRCh38, 1-based): chr12:51,914,539, G deleted. VCF-style (leftmost placement, unchanged base first): chr12-51914538-AG-A. GRCh37 (hg19) VCF-style: chr12-52308322-AG-A.
Other names: c.726del, p.Thr243fs (NM_001077401.2); c.726delG, p.Thr243Leufs (NM_001406487.1, NM_001406488.1, NM_001406489.1); c.414delG, p.Thr139Leufs (NM_001406490.1, NM_001406491.1, NM_001406492.1 and 2 more transcripts); c.162delG, p.Thr55Leufs (NM_001406495.1); short protein forms T243fs.
Identifiers: ClinVar variation 1758006 (VCV001758006.2), dbSNP rs2540162791, ClinGen allele CA2580086472.